The following is an entry in ClinVar:

ClinVar aggregate classification (germline): Uncertain significance (1 of 4 stars; one submission).

gnomAD v4.1: 4 of 1,595,166 alleles (0.00025%); highest among the groups gnomAD compares: Non-Finnish European, 0.00034%; no homozygotes.

Submission:

Labcorp Genetics (formerly Invitae), Labcorp
Classification: Uncertain significance. Last evaluated: 2025-07-18. Review status: criteria provided, single submitter. Criteria: Invitae Variant Classification Sherloc (09022015). Collection method: clinical testing. Allele origin: germline.
Comment: This sequence change replaces alanine, which is neutral and non-polar, with serine, which is neutral and polar, at codon 448 of the DLL1 protein (p.Ala448Ser). The frequency data for this variant in the population databases is considered unreliable, as metrics indicate poor data quality at this position in the gnomAD database. This variant has not been reported in the literature in individuals affected with DLL1-related conditions. ClinVar contains an entry for this variant (Variation ID: 3701175). An algorithm developed to predict the effect of missense changes on protein structure and function (PolyPhen-2) suggests that this variant is likely to be tolerated. In summary, the available evidence is currently insufficient to determine the role of this variant in disease. Therefore, it has been classified as a Variant of Uncertain Significance.

NM_005618.4(DLL1):c.1342G>T (p.Ala448Ser)

Gene: DLL1 (delta like canonical Notch ligand 1; minus strand). Cytogenetic location: 6q27.
Variant type: single nucleotide variant.
Coding change: c.1342G>T on transcript NM_005618.4 (MANE Select); coding-DNA position 1342, G replaced by T.
Protein change: p.Ala448Ser; replaces alanine 448 with serine.
Molecular consequence: missense variant.
Genome position (GRCh38, 1-based): chr6:170,283,937, C>A on the plus strand (G>T on the coding strand, the complement: DLL1 is on the minus strand). VCF-style: chr6-170283937-C-A. GRCh37 (hg19) VCF-style: chr6-170593025-C-A.
Other names: short protein forms A448S.
Identifiers: ClinVar variation 3701175 (VCV003701175.2).